The following is an entry in ClinVar:

ClinVar aggregate classification (germline): Uncertain significance (1 of 4 stars; one submission).

Submission:

GeneDx
Classification: Uncertain significance. Last evaluated: 2026-03-11. Review status: criteria provided, single submitter. Criteria: GeneDx Variant Classification Process June 2021. Collection method: clinical testing. Allele origin: germline.
Comment: Not observed at significant frequency in large population cohorts (gnomAD); In silico analysis suggests that this missense variant does not alter protein structure/function; Has not been previously published as pathogenic or benign to our knowledge

NM_031407.7(HUWE1):c.8165C>T (p.Thr2722Ile)

Gene: HUWE1 (HECT, UBA and WWE domain containing E3 ubiquitin protein ligase 1; minus strand). Cytogenetic location: Xp11.22.
Variant type: single nucleotide variant.
Coding change: c.8165C>T on transcript NM_031407.7 (MANE Select); coding-DNA position 8165, C replaced by T.
Protein change: p.Thr2722Ile; replaces threonine 2722 with isoleucine.
Molecular consequence: missense variant.
Genome position (GRCh38, 1-based): chrX:53,557,423, G>A on the plus strand (C>T on the coding strand, the complement: HUWE1 is on the minus strand). VCF-style: chrX-53557423-G-A. GRCh37 (hg19) VCF-style: chrX-53584384-G-A.
Other names: c.8162C>T, p.Thr2721Ile (NM_001441048.1, NM_001441051.1, NM_001441053.1 and 2 more transcripts); c.8165C>T, p.Thr2722Ile (NM_001441049.1, NM_001441054.1, NM_001441057.1); c.8186C>T, p.Thr2729Ile (NM_001441050.1, NM_001441055.1); c.7763C>T, p.Thr2588Ile (NM_001441052.1); short protein forms T2721I, T2588I, T2722I, T2729I.
Identifiers: ClinVar variation 5009039 (VCV005009039.1).